The following is an entry in ClinVar:

NM_006045.3(ATP9A):c.1181-2A>G

Gene: ATP9A (ATPase phospholipid transporting 9A; minus strand). Cytogenetic location: 20q13.2.
Variant type: single nucleotide variant.
Coding change: c.1181-2A>G on transcript NM_006045.3 (MANE Select); the canonical splice acceptor site of the intron before coding-DNA position 1181, A replaced by G.
Molecular consequence: splice acceptor variant.
Genome position (GRCh38, 1-based): chr20:51,670,111, T>C on the plus strand (A>G on the coding strand, the complement: ATP9A is on the minus strand). VCF-style: chr20-51670111-T-C. GRCh37 (hg19) VCF-style: chr20-50286650-T-C.
Identifiers: ClinVar variation 4846929 (VCV004846929.1).
Genomic context (GRCh38, chr20:51,670,111, plus strand): 5'-GTAGGCTACTGTTCCGAGATGGAGCCGTTTGAAAATCATCTCGTTCTGGGTAAGAGTGCC[T>C]AAAACACAAGACAAATGAGTGGCCGGCCTGTCTCTCAGGATGTTTGTTATTATTAACAGT-3'

ClinVar aggregate classification (germline): Likely pathogenic (1 of 4 stars; one submission).

Conditions:
Neurodevelopmental disorder with poor growth and behavioral abnormalities (NEDGBA). Identifiers: MedGen C5830273, MONDO:0859377, OMIM 620242.

Submission:

Laboratorio de Genetica e Diagnostico Molecular, Hospital Israelita Albert Einstein
Classification: Likely pathogenic for Neurodevelopmental disorder with poor growth and behavioral abnormalities. Last evaluated: 2026-02-13. Review status: criteria provided, single submitter. Criteria: ACMG Guidelines, 2015. Collection method: clinical testing. Allele origin: germline. Affected: yes.
Comment: ACMG classification criteria: PVS1 very strong, PM2 supporting